The following is an entry in ClinVar:

ClinVar aggregate classification (germline): Uncertain significance (1 of 4 stars; one submission).

Conditions:
RYR1-related disorder. Also called: RYR1-related condition; RYR1-related disorders. Identifiers: MedGen CN239331.

gnomAD v4.1: 1 of 1,408,412 alleles (0.000071%); highest among the groups gnomAD compares: Non-Finnish European, 0.000092%; no homozygotes.

Submission:

PreventionGenetics, part of Exact Sciences
Classification: Uncertain significance for RYR1-related condition. Last evaluated: 2023-08-23. Review status: criteria provided, single submitter. Criteria: ACMG Guidelines, 2015. Collection method: clinical testing. Allele origin: germline.
Comment: The RYR1 c.13352C>T variant is predicted to result in the amino acid substitution p.Ala4451Val. To our knowledge, this variant has not been reported in the literature or in a large population database, indicating this variant is rare. At this time, the clinical significance of this variant is uncertain due to the absence of conclusive functional and genetic evidence.

NM_000540.3(RYR1):c.13352C>T (p.Ala4451Val)

Gene: RYR1 (ryanodine receptor 1; plus strand). Cytogenetic location: 19q13.2.
Variant type: single nucleotide variant.
Coding change: c.13352C>T on transcript NM_000540.3 (MANE Select); coding-DNA position 13352, C replaced by T.
Protein change: p.Ala4451Val; replaces alanine 4451 with valine.
Molecular consequence: missense variant.
Genome position (GRCh38, 1-based): chr19:38,565,686, C>T. VCF-style: chr19-38565686-C-T. GRCh37 (hg19) VCF-style: chr19-39056326-C-T.
Other names: c.13337C>T, p.Ala4446Val (NM_001042723.2); short protein forms A4446V, A4451V.
Identifiers: ClinVar variation 2629100 (VCV002629100.1), dbSNP rs886054408, ClinGen allele CA405675196.